The following is an entry in ClinVar:

NM_032193.4(RNASEH2C):c.434G>C (p.Arg145Pro)

Gene: RNASEH2C (ribonuclease H2 subunit C; minus strand). Cytogenetic location: 11q13.1.
Variant type: single nucleotide variant.
Coding change: c.434G>C on transcript NM_032193.4 (MANE Select); coding-DNA position 434, G replaced by C.
Protein change: p.Arg145Pro; replaces arginine 145 with proline.
Molecular consequence: missense variant.
Genome position (GRCh38, 1-based): chr11:65,720,079, C>G on the plus strand (G>C on the coding strand, the complement: RNASEH2C is on the minus strand). VCF-style: chr11-65720079-C-G. GRCh37 (hg19) VCF-style: chr11-65487550-C-G.
Other names: short protein forms R145P.
Identifiers: ClinVar variation 203393 (VCV000203393.1), dbSNP rs774773395, ClinGen allele CA275524.

ClinVar aggregate classification (germline): Uncertain significance (0 of 4 stars; one submission).

Conditions:
Aicardi-Goutieres syndrome 3. Identifiers: Orphanet 51, MedGen C1835916, MONDO:0012471, OMIM 610329.

Submission:

Division of Human Genetics, Children's Hospital of Philadelphia
Classification: Uncertain significance for Aicardi-Goutieres syndrome 3. Last evaluated: 2015-05-26. Review status: no assertion criteria provided. Collection method: research. Allele origin: maternal. Affected: yes. Study: CSER-PediSeq.
Comment: This variant (c.434G>C) is considered a variant of uncertain significance, as it is a novel variant that has not been reported in literature and absent in large population databases. Computational evidence is conflicting. It occurs in a moderately conserved amino acid position. Mammals have either an arginine or histidine at this position. This amino acid substiution is from an arginine to a proline, which is a non-conservative change. It is in the Ribonuclease H2 subunit C domain according to InterPro. The nucleotide position is not conserved.